The following is an entry in ClinVar:

ClinVar aggregate classification (germline): Uncertain significance. Review status: criteria provided, multiple submitters, no conflicts (2 of 4 stars). 2 submissions from 2 submitters: Uncertain significance (2). Last evaluated 2024-10-13.

Allele frequency attached by ClinVar (database versions not stated): gnomAD 0.00001 and 0.00002; TOPMed 0.00002; gnomAD exomes 0.00003.
gnomAD v4.1: 49 of 1,613,714 alleles (0.003%); highest among the groups gnomAD compares: Non-Finnish European, 0.0037%; no homozygotes.

Submissions (2):

Labcorp Genetics (formerly Invitae), Labcorp
Classification: Uncertain significance. Last evaluated: 2024-10-13. Review status: criteria provided, single submitter. Criteria: Invitae Variant Classification Sherloc (09022015). Collection method: clinical testing. Allele origin: germline.
Comment: This sequence change replaces arginine, which is basic and polar, with glutamine, which is neutral and polar, at codon 710 of the RINT1 protein (p.Arg710Gln). This variant is not present in population databases (gnomAD no frequency). This variant has not been reported in the literature in individuals affected with RINT1-related conditions. ClinVar contains an entry for this variant (Variation ID: 855330). An algorithm developed to predict the effect of missense changes on protein structure and function (PolyPhen-2) suggests that this variant is likely to be disruptive. In summary, the available evidence is currently insufficient to determine the role of this variant in disease. Therefore, it has been classified as a Variant of Uncertain Significance.

Ambry Genetics
Classification: Uncertain significance. Last evaluated: 2024-01-21. Review status: criteria provided, single submitter. Criteria: Ambry Variant Classification Scheme 2023. Collection method: clinical testing. Allele origin: germline.
Comment: The p.R710Q variant (also known as c.2129G>A), located in coding exon 14 of the RINT1 gene, results from a G to A substitution at nucleotide position 2129. The arginine at codon 710 is replaced by glutamine, an amino acid with highly similar properties. This amino acid position is conserved. In addition, the in silico prediction for this alteration is inconclusive. Since supporting evidence is limited at this time, the clinical significance of this alteration remains unclear.

NM_021930.6(RINT1):c.2129G>A (p.Arg710Gln)

Genes: EFCAB10 (EF-hand calcium binding domain 10; minus strand), RINT1 (RAD50 interactor 1; plus strand). Cytogenetic location: 7q22.3.
Variant type: single nucleotide variant.
Coding change: c.2129G>A on transcript NM_021930.6 (MANE Select); coding-DNA position 2129, G replaced by A.
Protein change: p.Arg710Gln; replaces arginine 710 with glutamine.
Molecular consequence: missense variant. On other transcripts: synonymous variant (1), non-coding transcript variant (1), intron variant (2).
Genome position (GRCh38, 1-based): chr7:105,565,591, G>A. VCF-style: chr7-105565591-G-A. GRCh37 (hg19) VCF-style: chr7-105206038-G-A.
Other names: c.408C>T, p.Ser136= (NM_001355530.2); c.1895G>A, p.Arg632Gln (NM_001346599.2); c.1106G>A, p.Arg369Gln (NM_001346600.2, NM_001346603.2); c.1205G>A, p.Arg402Gln (NM_001346601.2); c.360-144C>T (NM_001355531.2); c.384-144C>T (NM_001355526.2); short protein forms R369Q, R402Q, R632Q, R710Q.
Identifiers: ClinVar variation 855330 (VCV000855330.12), dbSNP rs1200845297, ClinGen allele CA368815194.